The following is an entry in ClinVar:

NC_012920.1(MT-ATP6):m.8785C>T

Gene: MT-ATP6 (mitochondrially encoded ATP synthase 6; plus strand).
Variant type: single nucleotide variant.
Genome position: chrM-8785-C-T.
Identifiers: ClinVar variation 692984 (VCV000692984.1), dbSNP rs1603221807, ClinGen allele CA414798068.

ClinVar aggregate classification (germline): Uncertain significance (1 of 4 stars; one submission).

Conditions:
Leigh syndrome (NULS). Also called: Leigh's necrotizing encephalopathy; Leigh's disease; Leigh Syndrome (mtDNA deletion); Leigh Disease; Subacute necrotizing encephalopathy; Necrotizing encephalopathy infantile subacute of Leigh. Identifiers: Orphanet 506, MedGen C2931891, MONDO:0009723, OMIM 256000.

Submission:

Wong Mito Lab, Molecular and Human Genetics, Baylor College of Medicine
Classification: Uncertain significance for Leigh syndrome. Last evaluated: 2019-10-17. Review status: criteria provided, single submitter. Criteria: Modified ACMG Guidelines (Unpublished). Collection method: clinical testing. Allele origin: germline.
Comment: The NC_012920.1:m.8785C>T (YP_003024031.1:p.Leu87Phe) variant in MTATP6 gene is interpretated to be a Uncertain Significance variant based on the modified ACMG guidelines (unpublished). This variant meets the following evidence codes: BP4